The following is an entry in ClinVar:

NM_138927.4(SON):c.5798C>G (p.Thr1933Ser)

Gene: SON (SON DNA and RNA binding protein; plus strand). Cytogenetic location: 21q22.11.
Variant type: single nucleotide variant.
Coding change: c.5798C>G on transcript NM_138927.4 (MANE Select); coding-DNA position 5798, C replaced by G.
Protein change: p.Thr1933Ser; replaces threonine 1933 with serine.
Molecular consequence: missense variant. On other transcripts: intron variant (1), non-coding transcript variant (1).
Genome position (GRCh38, 1-based): chr21:33,555,029, C>G. VCF-style: chr21-33555029-C-G. GRCh37 (hg19) VCF-style: chr21-34927335-C-G.
Other names: c.245-2127C>G (NM_001291412.3); c.5798C>G, p.Thr1933Ser (NM_001291411.2, NM_001412133.1, NM_032195.3 and 2 more transcripts); short protein forms T1933S.
Identifiers: ClinVar variation 2874006 (VCV002874006.3), dbSNP rs2085929917, ClinGen allele CA410165564.

ClinVar aggregate classification (germline): Uncertain significance (1 of 4 stars; one submission).

gnomAD v4.1: 1 of 1,613,108 alleles (0.000062%); no homozygotes.

Submission:

Labcorp Genetics (formerly Invitae), Labcorp
Classification: Uncertain significance. Last evaluated: 2025-09-02. Review status: criteria provided, single submitter. Criteria: Invitae Variant Classification Sherloc (09022015). Collection method: clinical testing. Allele origin: germline.
Comment: This sequence change replaces threonine, which is neutral and polar, with serine, which is neutral and polar, at codon 1933 of the SON protein (p.Thr1933Ser). This variant is not present in population databases (gnomAD no frequency). This variant has not been reported in the literature in individuals affected with SON-related conditions. ClinVar contains an entry for this variant (Variation ID: 2874006). An algorithm developed to predict the effect of missense changes on protein structure and function outputs the following: PolyPhen-2: "Not Available". The serine amino acid residue is found in multiple mammalian species, which suggests that this missense change does not adversely affect protein function. In summary, the available evidence is currently insufficient to determine the role of this variant in disease. Therefore, it has been classified as a Variant of Uncertain Significance.